The following is an entry in ClinVar:

ClinVar aggregate classification (germline): Uncertain significance. Review status: criteria provided, single submitter (1 of 4 stars). 2 submissions from 2 submitters: Uncertain significance (1). 1 of the submissions does not count toward it. Last evaluated 2022-09-12.

Conditions:
Glucose-6-phosphate transport defect (GSD1B). Also called: Glycogen Storage Disease Type Ib; GSD Ib. Identifiers: Orphanet 364, Orphanet 79259, MedGen C0268146, MONDO:0009288, OMIM 232220.

Submissions (2):

Labcorp Genetics (formerly Invitae), Labcorp
Classification: Uncertain significance for Glucose-6-phosphate transport defect. Last evaluated: 2022-09-12. Review status: criteria provided, single submitter. Criteria: Invitae Variant Classification Sherloc (09022015). Collection method: clinical testing. Allele origin: germline.
Comment: This sequence change replaces threonine, which is neutral and polar, with isoleucine, which is neutral and non-polar, at codon 419 of the SLC37A4 protein (p.Thr419Ile). This variant is not present in population databases (gnomAD no frequency). This variant has not been reported in the literature in individuals affected with SLC37A4-related conditions. ClinVar contains an entry for this variant (Variation ID: 965659). In summary, the available evidence is currently insufficient to determine the role of this variant in disease. Therefore, it has been classified as a Variant of Uncertain Significance.

Natera, Inc.
Classification: Uncertain significance for Glycogen storage disease type Ib. Last evaluated: 2025-04-07. Review status: no assertion criteria provided. Collection method: clinical testing. Allele origin: germline. Not counted in ClinVar's aggregate classification.

NM_001164277.2(SLC37A4):c.1256C>T (p.Thr419Ile)

Gene: SLC37A4 (solute carrier family 37 member 4; minus strand). Cytogenetic location: 11q23.3.
Variant type: single nucleotide variant.
Coding change: c.1256C>T on transcript NM_001164277.2 (MANE Select); coding-DNA position 1256, C replaced by T.
Protein change: p.Thr419Ile; replaces threonine 419 with isoleucine.
Molecular consequence: missense variant.
Genome position (GRCh38, 1-based): chr11:119,024,944, G>A on the plus strand (C>T on the coding strand, the complement: SLC37A4 is on the minus strand). VCF-style: chr11-119024944-G-A. GRCh37 (hg19) VCF-style: chr11-118895654-G-A.
Other names: c.1322C>T, p.Thr441Ile (NM_001164278.2); c.1037C>T, p.Thr346Ile (NM_001164279.2); c.1256C>T, p.Thr419Ile (NM_001164280.2, NM_001467.6); short protein forms T441I, T419I, T346I.
Identifiers: ClinVar variation 965659 (VCV000965659.7), dbSNP rs782594411, ClinGen allele CA382893582.